The following is an entry in ClinVar:

NM_000523.4(HOXD13):c.781G>A (p.Gly261Arg)

Gene: HOXD13 (homeobox D13; plus strand). Cytogenetic location: 2q31.1.
Variant type: single nucleotide variant.
Coding change: c.781G>A on transcript NM_000523.4 (MANE Select); coding-DNA position 781, G replaced by A.
Protein change: p.Gly261Arg; replaces glycine 261 with arginine.
Molecular consequence: missense variant.
Genome position (GRCh38, 1-based): chr2:176,093,671, G>A. VCF-style: chr2-176093671-G-A. GRCh37 (hg19) VCF-style: chr2-176958399-G-A.
Other names: short protein forms G261R.
Identifiers: ClinVar variation 2818313 (VCV002818313.3), dbSNP rs2468153967, ClinGen allele CA349353486.

ClinVar aggregate classification (germline): Uncertain significance (1 of 4 stars; one submission).

Allele frequency attached by ClinVar (database versions not stated): gnomAD exomes below 0.00001.

Submission:

Labcorp Genetics (formerly Invitae), Labcorp
Classification: Uncertain significance. Last evaluated: 2023-11-13. Review status: criteria provided, single submitter. Criteria: Invitae Variant Classification Sherloc (09022015). Collection method: clinical testing. Allele origin: germline.
Comment: This sequence change replaces glycine, which is neutral and non-polar, with arginine, which is basic and polar, at codon 261 of the HOXD13 protein (p.Gly261Arg). This variant also falls at the last nucleotide of exon 1, which is part of the consensus splice site for this exon. This variant is not present in population databases (gnomAD no frequency). This variant has not been reported in the literature in individuals affected with HOXD13-related conditions. An algorithm developed to predict the effect of missense changes on protein structure and function (PolyPhen-2) suggests that this variant is likely to be tolerated. Variants that disrupt the consensus splice site are a relatively common cause of aberrant splicing (PMID: 17576681, 9536098). Algorithms developed to predict the effect of sequence changes on RNA splicing suggest that this variant may disrupt the consensus splice site. In summary, the available evidence is currently insufficient to determine the role of this variant in disease. Therefore, it has been classified as a Variant of Uncertain Significance.

Literature cited by the submitters: PubMed 17576681; PubMed 9536098.